The following is an entry in ClinVar:

ClinVar aggregate classification (germline): Pathogenic. Review status: criteria provided, multiple submitters, no conflicts (2 of 4 stars). 21 submissions from 21 submitters: Pathogenic (19). 2 of the submissions do not count toward it. Last evaluated 2026-06-23.

Conditions:
RTEL1-related disorder. Also called: RTEL1-related disorders; RTEL1-related condition.
Pulmonary fibrosis and/or bone marrow failure, Telomere-related, 3. Also called: PULMONARY FIBROSIS AND/OR BONE MARROW FAILURE SYNDROME, TELOMERE-RELATED, 3. Identifiers: Orphanet 2032, MedGen C4225346, MONDO:0014613, OMIM 616373.
Dyskeratosis congenita, autosomal recessive 5 (DKCB5). Identifiers: MedGen C3554656, MONDO:0014076, OMIM 615190.
Pulmonary fibrosis. Identifiers: MedGen C0034069, MONDO:0002771, HP:0002206.
Autosomal recessive RTEL1-related disorders.
Dyskeratosis congenita. Identifiers: Orphanet 1775, MedGen C0265965, MONDO:0015780.
Interstitial lung disease 2 (ILD2). Also called: Familial idiopathic pulmonary fibrosis; FIBROCYSTIC PULMONARY DYSPLASIA; FIBROSING ALVEOLITIS, CRYPTOGENIC. Identifiers: Orphanet 2032, Orphanet 79126, MedGen C5561926, MONDO:0800497, OMIM 178500, MONDO:0800029.

Allele frequency attached by ClinVar (database versions not stated): ExAC 0.00002; TOPMed 0.00009; gnomAD 0.00003.
gnomAD v4.1: 92 of 1,611,994 alleles (0.0057%); highest among the groups gnomAD compares: South Asian, 0.0077%; no homozygotes.

Submissions 1 to 11 of 21:

PreventionGenetics, part of Exact Sciences
Classification: Pathogenic for RTEL1-related condition. Last evaluated: 2026-06-23. Review status: criteria provided, single submitter. Criteria: ACMG Guidelines, 2015. Collection method: clinical testing. Allele origin: germline.
Comment: The RTEL1 c.2992C>T variant is predicted to result in premature protein termination (p.Arg998*). This variant, alternatively referred to as p.R974X in the literature, has been reported in the compound heterozygous state in several individuals with dyskeratosis congenita (DC), often presenting with clinical features of Hoyeraal-Hreidarsson syndrome (HHS) (Walne et al. 2013. PubMed ID: 23453664; Ballew et al. 2013. PubMed ID: 23329068). Segregation with DC and HHS was present in two families in these studies. This variant has also been reported in the heterozygous state in individuals with pulmonary fibrosis/familial interstitial pneumonia (Cogan et al. 2015. PubMed ID: 25607374; Petrovski et al. 2017. PubMed ID: 28099038). RT-PCR studies showed a drastic reduction in expression, indicative of nonsense mediated decay (Deng et al. 2013. PubMed ID: 23959892). This variant is reported in 0.0055% of alleles in individuals of European (non-Finnish) descent in gnomAD. Nonsense variants in RTEL1 are expected to be pathogenic. This variant is interpreted as pathogenic.

Labcorp Genetics (formerly Invitae), Labcorp
Classification: Pathogenic for Dyskeratosis congenita, autosomal recessive 5; Pulmonary fibrosis and/or bone marrow failure, Telomere-related, 3. Last evaluated: 2026-01-28. Review status: criteria provided, single submitter. Criteria: Invitae Variant Classification Sherloc (09022015). Collection method: clinical testing. Allele origin: germline.
Comment: This sequence change creates a premature translational stop signal (p.Arg974*) in the RTEL1 gene. It is expected to result in an absent or disrupted protein product. Loss-of-function variants in RTEL1 are known to be pathogenic (PMID: 23453664, 23959892, 25607374). This variant is present in population databases (rs398123017, gnomAD 0.005%). This premature translational stop signal has been observed in individuals with dyskeratosis congenita, familial interstitial pneumonia, and/or idiopathic pulmonary fibrosis (PMID: 23329068, 23959892, 25607374, 28099038). It has also been observed to segregate with disease in related individuals. This variant is also known as R974X. ClinVar contains an entry for this variant (Variation ID: 42020). Algorithms developed to predict the effect of sequence changes on RNA splicing suggest that this variant may disrupt the consensus splice site. For these reasons, this variant has been classified as Pathogenic.

Natera, Inc.
Classification: Pathogenic for Dyskeratosis congenita. Last evaluated: 2026-01-05. Review status: criteria provided, single submitter. Criteria: Natera Variant Classification Schema (03/2026). Collection method: clinical testing. Allele origin: germline.
Comment: The c.2992C>T variant in RTEL1 is a nonsense variant predicted to introduce a stop codon at amino acid 998. This variant is expected to result in nonsense mediated decay, truncation, or a dysfunctional protein product. This variant is rare in the general population with a frequency below the threshold expected for the associated phenotype(s). This variant has been observed in one or more individuals affected with the associated recessive disease, as either homozygous or compound heterozygous with a second variant (PMID: 23959892). Additionally, this variant has been observed to segregate in affected family members (PMID: 23959892). Given the available evidence, this variant is classified as Pathogenic.

Victorian Clinical Genetics Services, Murdoch Childrens Research Institute
Classification: Pathogenic for Pulmonary fibrosis and/or bone marrow failure, Telomere-related, 3. Last evaluated: 2025-12-22. Review status: criteria provided, single submitter. Criteria: ACMG Guidelines, 2015. Collection method: clinical testing. Allele origin: germline.
Comment: This variant is classified as Pathogenic. Evidence in support of pathogenic classification: Variant is predicted to cause nonsense-mediated decay (NMD) and loss of protein (premature termination codon is located at least 54 nucleotides upstream of the final exon-exon junction); Variant is present in gnomAD <0.01 (v4: 92 heterozygote(s), 0 homozygote(s)); This variant has strong previous evidence of pathogenicity in unrelated individuals. This variant, also referred to as p.(Arg998Ter), has been classified as pathogenic by multiple clinical laboratories in ClinVar. It has been reported in the literature in individuals with monallelic and biallelic disease (PMIDs: 28099038, 23959892); Other NMD-predicted variant(s) comparable to the one identified in this case have very strong previous evidence for pathogenicity (DECIPHER). Additional information: This variant is heterozygous; This gene is associated with both recessive and dominant disease. - Loss of function is a known mechanism of disease in this gene and is associated with autosomal dominant and recessive pulmonary fibrosis and/or bone marrow failure, Telomere-related, 3 (MONDO:0014613); The condition associated with this gene has incomplete penetrance. Monoallelic pathogenic variants have been reported in asymptomatic family members (PMIDs: 23329068, 25848748, 35199181).

Variantyx, Inc.
Classification: Pathogenic for Autosomal recessive RTEL1-related disorders. Last evaluated: 2025-11-11. Review status: criteria provided, single submitter. Criteria: Variantyx Assertion Criteria 2022. Collection method: clinical testing. Allele origin: germline. Inheritance: Autosomal recessive inheritance. Affected: no.
Comment: This is a nonsense variant in the RTEL1 gene (OMIM: 608833). Pathogenic variants in this gene have been associated with autosomal recessive RTEL1-related disorders. This variant introduces a premature termination codon in exon 30 out of 35 and is expected to result in loss of function, which is a known disease mechanism for RTEL1 in this disorder (PMID: 23959892) (PVS1). This variant has been reported in the compound heterozygous state in at least 3 unrelated affected individuals (PMID: 23959892, 23329068, 30995915) (PM3) amnd it has been observed to segregate with disease in at least 3 individuals from one family (PMID: 23959892) (PP1). This variant has a 0.0077% maximum allele frequency in non-founder control populations (PM2). Based on the current evidence, this variant is classified as pathogenic for autosomal recessive RTEL1-related disorders.\

Mayo Clinic Laboratories, Mayo Clinic
Classification: Pathogenic. Last evaluated: 2025-06-05. Review status: criteria provided, single submitter. Criteria: ACMG Guidelines, 2015. Collection method: clinical testing. Allele origin: germline. Observed: 1 variant allele.
Comment: PP1_strong, PM2_supporting, PM3_very_strong, PS3_moderate, PS4_moderate, PVS1

CeGaT Center for Human Genetics Tuebingen
Classification: Pathogenic. Last evaluated: 2024-10-01. Review status: criteria provided, single submitter. Criteria: CeGaT Center For Human Genetics Tuebingen Variant Classification Criteria Version 2. Collection method: clinical testing. Allele origin: germline. Affected: yes. Observed: 3 variant alleles.
Comment: RTEL1: PVS1, PM2, PS4:Moderate, PS3:Supporting

GeneDx
Classification: Pathogenic. Last evaluated: 2024-07-31. Review status: criteria provided, single submitter. Criteria: GeneDx Variant Classification Process June 2021. Collection method: clinical testing. Allele origin: germline. Affected: yes.
Comment: Nonsense variant predicted to result in protein truncation or nonsense mediated decay in a gene for which loss of function is a known mechanism of disease; Published functional studies demonstrate a damaging effect on telomere function, structure, and length (PMID: 23959892); Also known as c.2920C>T p.(R974*); This variant is associated with the following publications: (PMID: 23453664, 23329068, 30995915, 25607374, 23959892, 29344583, 33718801, 36090019, 28099038, 25047097, 37354000, 36845387, 36655009)

Fulgent Genetics
Classification: Pathogenic for Dyskeratosis congenita, autosomal recessive 5; Pulmonary fibrosis and/or bone marrow failure, Telomere-related, 3. Last evaluated: 2024-06-19. Review status: criteria provided, single submitter. Criteria: ACMG Guidelines, 2015. Collection method: clinical testing. Allele origin: germline.

Blueprint Genetics
Classification: Pathogenic for RTEL1-related disorders. Last evaluated: 2024-03-12. Review status: criteria provided, single submitter. Criteria: ACMG Guidelines, 2015. Collection method: clinical testing. Allele origin: germline. Affected: yes. Observed: 5 variant alleles.

Baylor Genetics
Classification: Pathogenic for Dyskeratosis congenita, autosomal recessive 5. Last evaluated: 2024-03-02. Review status: criteria provided, single submitter. Criteria: ACMG Guidelines, 2015. Collection method: clinical testing. Allele origin: unknown.

NM_001283009.2(RTEL1):c.2920C>T (p.Arg974Ter)

Genes: RTEL1-TNFRSF6B (RTEL1-TNFRSF6B readthrough (NMD candidate); plus strand), RTEL1 (regulator of telomere elongation helicase 1; plus strand). Cytogenetic location: 20q13.33.
Variant type: single nucleotide variant.
Coding change: c.2920C>T on transcript NM_001283009.2 (MANE Select); coding-DNA position 2920, C replaced by T.
Protein change: p.Arg974Ter; replaces arginine 974 with a stop codon.
Molecular consequence: nonsense. On other transcripts: non-coding transcript variant (1).
Genome position (GRCh38, 1-based): chr20:63,693,211, C>T. VCF-style: chr20-63693211-C-T. GRCh37 (hg19) VCF-style: chr20-62324564-C-T.
Other names: p.Arg974*; c.2251C>T, p.Arg751Ter (NM_001283010.1); c.2920C>T, p.Arg974Ter (NM_016434.4); c.2992C>T, p.Arg998Ter (NM_032957.5); short protein forms R998*, R974*, R751*.
Identifiers: ClinVar variation 42020 (VCV000042020.80), dbSNP rs398123017, ClinGen allele CA130951.